The following is an entry in ClinVar:

ClinVar aggregate classification (germline): Uncertain significance (1 of 4 stars; one submission).

Conditions:
Charcot-Marie-tooth disease, axonal, type 2DD. Also called: CHARCOT-MARIE-TOOTH NEUROPATHY, TYPE 2DD. Identifiers: Orphanet 521414, MedGen C4747974, MONDO:0054833, OMIM 618036.

Submission:

Neuberg Centre For Genomic Medicine, NCGM
Classification: Uncertain significance for Charcot-Marie-tooth disease, axonal, type 2DD. Last evaluated: 2023-02-14. Review status: criteria provided, single submitter. Criteria: ACMG Guidelines, 2015. Collection method: clinical testing. Allele origin: germline. Inheritance: Autosomal dominant inheritance. Affected: yes.
Comment: The missense c.1963A>G (p.Asn655Asp) variant in RAF1 gene has not been reported previously as a pathogenic variant nor as a benign variant, to our knowledge. The p.Asn655Asp variant is novel (not in any individuals) in gnomAD Exomes and 1000 Genomes. This variant has not been reported to the ClinVar database. The amino acid change p.Asn655Asp in RAF1 is predicted as conserved by GERP++ and PhyloP across 100 vertebrates. The amino acid Asn at position 655 is changed to a Asp changing protein sequence and it might alter its composition and physico-chemical properties. For these reasons, this variant has been classified as Variant of Uncertain Significance (VUS).

NM_000701.8(ATP1A1):c.3007G>A (p.Glu1003Lys)

Genes: ATP1A1 (ATPase Na+/K+ transporting subunit alpha 1; plus strand), ATP1A1-AS1 (ATP1A1 antisense RNA 1; minus strand). Cytogenetic location: 1p13.1.
Variant type: single nucleotide variant.
Coding change: c.3007G>A on transcript NM_000701.8 (MANE Select); coding-DNA position 3007, G replaced by A.
Protein change: p.Glu1003Lys; replaces glutamic acid 1003 with lysine.
Molecular consequence: missense variant.
Genome position (GRCh38, 1-based): chr1:116,403,939, G>A. VCF-style: chr1-116403939-G-A. GRCh37 (hg19) VCF-style: chr1-116946561-G-A.
Other names: c.3007G>A, p.Glu1003Lys (NM_001160233.2); c.2914G>A, p.Glu972Lys (NM_001160234.2); short protein forms E1003K, E972K.
Identifiers: ClinVar variation 2671759 (VCV002671759.1), dbSNP rs2525907688, ClinGen allele CA341777419.
Genomic context (GRCh38, chr1:116,403,939, plus strand): 5'-TCCAGACCTACCTGGTGGTTCTGTGCCTTCCCCTACTCTCTTCTCATCTTCGTATATGAC[G>A]AAGTCAGAAAACTCATCATCAGGCGACGCCCTGGCGGTAATTATGGGCATTCTGACTTTG-3'
Protein context (NP_000692.2, residues 993-1013): PYSLLIFVYD[Glu1003Lys]VRKLIIRRRP